The following is an entry in ClinVar:

ClinVar aggregate classification (germline): Uncertain significance. Review status: criteria provided, multiple submitters, no conflicts (2 of 4 stars). 3 submissions from 3 submitters: Uncertain significance (3). Last evaluated 2026-07-25.

Conditions:
Glycogen storage disease, type VII (GSD7). Also called: GSD VII; MUSCLE PHOSPHOFRUCTOKINASE DEFICIENCY; PFKM DEFICIENCY; TARUI DISEASE. Identifiers: Orphanet 371, MedGen C0017926, MONDO:0009295, OMIM 232800.

Allele frequency attached by ClinVar (database versions not stated): gnomAD exomes below 0.00001; TOPMed 0.00002; gnomAD 0.00003; ExAC 0.00004; ESP Exome Variant Server 0.00015.
gnomAD v4.1: 11 of 1,613,936 alleles (0.00068%); highest among the groups gnomAD compares: African/African-American, 0.0067%; no homozygotes.

Submissions (3):

Department of Haematogenetics, ICMR National Institute of Immunohaematology
Classification: Uncertain significance for Glycogen storage disease, type VII. Last evaluated: 2026-07-25. Review status: criteria provided, single submitter. Criteria: ACMG Guidelines, 2015. Collection method: research. Allele origin: germline. Affected: yes.
Comment: This variant is absent (or extremely rare) in population databases, supporting PM2. Multiple computational prediction tools predict a deleterious effect on protein function, and the affected amino acid residue is highly conserved across species, supporting PP3. The patient's clinical presentation is highly specific for PFKM deficiency, supporting PP4. Based on the ACMG/AMP guidelines (PM2, PP3, PP4), this variant is classified as Variant of Uncertain Significance.

ARUP Laboratories, Molecular Genetics and Genomics, ARUP Laboratories
Classification: Uncertain significance for Glycogen storage disease, type VII. Last evaluated: 2023-10-20. Review status: criteria provided, single submitter. Criteria: ARUP Molecular Germline Variant Investigation Process 2024. Collection method: clinical testing. Allele origin: germline.

Revvity Omics, Revvity
Classification: Uncertain significance for Glycogen storage disease, type VII. Last evaluated: 2023-08-17. Review status: criteria provided, single submitter. Criteria: ACMG Guidelines, 2015. Collection method: clinical testing. Allele origin: germline.

NM_000289.6(PFKM):c.550C>T (p.Arg184Trp)

Gene: PFKM (phosphofructokinase, muscle; plus strand). Cytogenetic location: 12q13.11.
Variant type: single nucleotide variant.
Coding change: c.550C>T on transcript NM_000289.6 (MANE Select); coding-DNA position 550, C replaced by T.
Protein change: p.Arg184Trp; replaces arginine 184 with tryptophan.
Molecular consequence: missense variant. On other transcripts: non-coding transcript variant (6).
Genome position (GRCh38, 1-based): chr12:48,133,437, C>T. VCF-style: chr12-48133437-C-T. GRCh37 (hg19) VCF-style: chr12-48527220-C-T.
Other names: c.763C>T, p.Arg255Trp (NM_001166686.2, NM_001354737.1, NM_001354738.1 and 1 more transcripts); c.550C>T, p.Arg184Trp (NM_001166687.2, NM_001166688.2, NM_001354742.2 and 4 more transcripts); c.859C>T, p.Arg287Trp (NM_001354735.1, NM_001354736.1); c.694C>T, p.Arg232Trp (NM_001354740.1); c.574C>T, p.Arg192Trp (NM_001354741.2); c.463C>T, p.Arg155Trp (NM_001354745.2); c.400C>T, p.Arg134Trp (NM_001354747.2, NM_001354748.2); short protein forms R155W, R192W, R232W, R287W, R134W, R184W, R255W.
Identifiers: ClinVar variation 2921233 (VCV002921233.3), dbSNP rs140165624, ClinGen allele CA6537022.